The following is an entry in ClinVar:

ClinVar aggregate classification (germline): Uncertain significance (1 of 4 stars; one submission).

Conditions:
Arginase deficiency. Also called: ARGININEMIA; ARG1 DEFICIENCY; Arginase 1 Deficiency. Identifiers: Orphanet 90, MedGen C0268548, MONDO:0008814, OMIM 207800.

Allele frequency attached by ClinVar (database versions not stated): gnomAD exomes below 0.00001; TOPMed below 0.00001.
gnomAD v4.1: 2 of 1,614,070 alleles (0.00012%); highest among the groups gnomAD compares: Middle Eastern, 0.033%; no homozygotes.

Submission:

Labcorp Genetics (formerly Invitae), Labcorp
Classification: Uncertain significance for Arginase deficiency. Last evaluated: 2021-11-27. Review status: criteria provided, single submitter. Criteria: Invitae Variant Classification Sherloc (09022015). Collection method: clinical testing. Allele origin: germline.
Comment: This sequence change replaces serine, which is neutral and polar, with isoleucine, which is neutral and non-polar, at codon 2 of the ARG1 protein (p.Ser2Ile). This variant is not present in population databases (gnomAD no frequency). This variant has not been reported in the literature in individuals affected with ARG1-related conditions. Algorithms developed to predict the effect of missense changes on protein structure and function are either unavailable or do not agree on the potential impact of this missense change (SIFT: "Tolerated"; PolyPhen-2: "Possibly Damaging"; Align-GVGD: "Class C0"). In summary, the available evidence is currently insufficient to determine the role of this variant in disease. Therefore, it has been classified as a Variant of Uncertain Significance.

NM_000045.4(ARG1):c.5G>T (p.Ser2Ile)

Gene: ARG1 (arginase 1; plus strand). Cytogenetic location: 6q23.2.
Variant type: single nucleotide variant.
Coding change: c.5G>T on transcript NM_000045.4 (MANE Select); coding-DNA position 5, G replaced by T.
Protein change: p.Ser2Ile; replaces serine 2 with isoleucine.
Molecular consequence: missense variant. On other transcripts: non-coding transcript variant (1).
Genome position (GRCh38, 1-based): chr6:131,573,287, G>T. VCF-style: chr6-131573287-G-T. GRCh37 (hg19) VCF-style: chr6-131894427-G-T.
Other names: c.5G>T, p.Ser2Ile (NM_001244438.2, NM_001369020.1); short protein forms S2I.
Identifiers: ClinVar variation 2007103 (VCV002007103.1), dbSNP rs1451420493, ClinGen allele CA365648987.